The following is an entry in ClinVar:

ClinVar aggregate classification (germline): Uncertain significance (1 of 4 stars; one submission).

Allele frequency attached by ClinVar (database versions not stated): ExAC 0.00001; gnomAD exomes 0.00001.
gnomAD v4.1: 11 of 1,614,178 alleles (0.00068%); highest among the groups gnomAD compares: Non-Finnish European, 0.00085%; no homozygotes.

Submission:

Labcorp Genetics (formerly Invitae), Labcorp
Classification: Uncertain significance. Last evaluated: 2023-12-28. Review status: criteria provided, single submitter. Criteria: Invitae Variant Classification Sherloc (09022015). Collection method: clinical testing. Allele origin: germline.
Comment: This sequence change falls in intron 4 of the AP2S1 gene. It does not directly change the encoded amino acid sequence of the AP2S1 protein. It affects a nucleotide within the consensus splice site. This variant is present in population databases (rs745961262, gnomAD 0.0009%). This variant has not been reported in the literature in individuals affected with AP2S1-related conditions. Variants that disrupt the consensus splice site are a relatively common cause of aberrant splicing (PMID: 17576681, 9536098). Algorithms developed to predict the effect of sequence changes on RNA splicing suggest that this variant is not likely to affect RNA splicing. In summary, the available evidence is currently insufficient to determine the role of this variant in disease. Therefore, it has been classified as a Variant of Uncertain Significance.

Literature cited by the submitters: PubMed 17576681; PubMed 9536098.

NM_004069.6(AP2S1):c.328-3C>T

Gene: AP2S1 (adaptor related protein complex 2 subunit sigma 1; minus strand). Cytogenetic location: 19q13.32.
Variant type: single nucleotide variant.
Coding change: c.328-3C>T on transcript NM_004069.6 (MANE Select); 3 bases into the intron before coding-DNA position 328, C replaced by T.
Molecular consequence: intron variant.
Genome position (GRCh38, 1-based): chr19:46,838,551, G>A on the plus strand (C>T on the coding strand, the complement: AP2S1 is on the minus strand). VCF-style: chr19-46838551-G-A. GRCh37 (hg19) VCF-style: chr19-47341808-G-A.
Other names: c.214-3C>T (NM_021575.5); c.370-3C>T (NM_001301078.3); c.334-3C>T (NM_001301081.3); c.376-3C>T (NM_001301076.3).
Identifiers: ClinVar variation 3015205 (VCV003015205.3), dbSNP rs745961262, ClinGen allele CA9532905.